The following is an entry in ClinVar:

NM_007194.4(CHEK2):c.847-5_847-3del

Gene: CHEK2 (checkpoint kinase 2; minus strand). Cytogenetic location: 22q12.1.
Variant type: Microsatellite.
Coding change: c.847-5_847-3del on transcript NM_007194.4 (MANE Select); 5 bases into the intron before coding-DNA position 847 through 3 bases into the intron before coding-DNA position 847, 3 bases deleted (CTT; older notation c.847-5_847-3delCTT).
Molecular consequence: intron variant.
Genome position (GRCh38, 1-based): chr22:28,703,569-28,703,571, AAG deleted on the plus strand (CTT on the coding strand, the reverse complement: CHEK2 is on the minus strand); deleting any 3 consecutive bases within chr22:28,703,569-28,703,575 gives the same sequence; the c. name uses the placement nearest the transcript's 3' end. VCF-style (leftmost placement, unchanged base first): chr22-28703568-TAAG-T. GRCh37 (hg19) VCF-style: chr22-29099556-TAAG-T.
Other names: c.940-5_940-3del (NM_001438293.1, NM_001438295.1); c.976-5_976-3del (NM_001438294.1, NM_001005735.3); c.847-5_847-3del (NM_145862.3); c.184-5_184-3del (NM_001257387.3, NM_001437942.1); c.646-5_646-3del (NM_001349956.3).
Identifiers: ClinVar variation 2753277 (VCV002753277.4), dbSNP rs2517887949, ClinGen allele CA2697552651.

ClinVar aggregate classification (germline): Likely benign. Review status: criteria provided, multiple submitters, no conflicts (2 of 4 stars). 2 submissions from 2 submitters: Likely benign (2). Last evaluated 2024-10-03.

Conditions:
Familial cancer of breast. Also called: BREAST CANCER, FAMILIAL; hereditary breast carcinoma; Hereditary breast cancer. Identifiers: Orphanet 227535, MedGen C0346153, MONDO:0016419, OMIM 114480. Disease mechanism: loss of function.

Submissions (2):

Myriad Genetics, Inc.
Classification: Likely benign for Familial cancer of breast. Last evaluated: 2024-10-03. Review status: criteria provided, single submitter. Criteria: Myriad Autosomal Dominant, Autosomal Recessive and X-Linked Classification Criteria (2023). Collection method: clinical testing. Allele origin: unknown.
Comment: This variant is considered likely benign. This variant is intronic and is not expected to impact mRNA splicing.

Labcorp Genetics (formerly Invitae), Labcorp
Classification: Likely benign for Familial cancer of breast. Last evaluated: 2023-08-17. Review status: criteria provided, single submitter. Criteria: Invitae Variant Classification Sherloc (09022015). Collection method: clinical testing. Allele origin: germline.